The following is an entry in ClinVar:

NM_007294.4(BRCA1):c.1988G>A (p.Ser663Asn)

Gene: BRCA1 (BRCA1 DNA repair associated; minus strand). Cytogenetic location: 17q21.31.
Variant type: single nucleotide variant.
Coding change: c.1988G>A on transcript NM_007294.4 (MANE Select); coding-DNA position 1988, G replaced by A.
Protein change: p.Ser663Asn; replaces serine 663 with asparagine.
Molecular consequence: missense variant. On other transcripts: intron variant (137).
Genome position (GRCh38, 1-based): chr17:43,093,543, C>T on the plus strand (G>A on the coding strand, the complement: BRCA1 is on the minus strand). VCF-style: chr17-43093543-C-T. GRCh37 (hg19) VCF-style: chr17-41245560-C-T.
Other names: c.1844G>A, p.Ser615Asn (NM_001407742.1, NM_001407743.1, NM_001407744.1 and 20 more transcripts); c.1847G>A, p.Ser616Asn (NM_001407750.1, NM_001407751.1, NM_001407752.1 and 29 more transcripts); c.1775G>A, p.Ser592Asn (NM_001407853.1, NM_001407894.1, NM_001407895.1 and 9 more transcripts); c.1988G>A, p.Ser663Asn (NM_001407854.1, NM_001407858.1, NM_001407859.1 and 30 more transcripts); c.1985G>A, p.Ser662Asn (NM_001407860.1, NM_001407861.1, NM_001407587.1 and 22 more transcripts); c.1787G>A, p.Ser596Asn (NM_001407862.1); c.1865G>A, p.Ser622Asn (NM_001407863.1, NM_001407919.1, NM_001407937.1 and 19 more transcripts); c.1784G>A, p.Ser595Asn (NM_001407874.1, NM_001407875.1); and 40 more; short protein forms S367N, S495N, S535N, S536N, S551N, S552N, S574N, S575N.
Identifiers: ClinVar variation 1716726 (VCV001716726.9), dbSNP rs2154405902, ClinGen allele CA10598039.

ClinVar aggregate classification (germline): Conflicting classifications of pathogenicity. Review status: criteria provided, conflicting classifications (1 of 4 stars). 3 submissions from 3 submitters: Uncertain significance (2); Likely benign (1). Last evaluated 2024-08-24.

Conditions:
Hereditary cancer-predisposing syndrome. Also called: Hereditary neoplastic syndrome; Neoplastic Syndromes, Hereditary; Hereditary Cancer Syndrome; Tumor predisposition. Identifiers: Orphanet 140162, MedGen C0027672, MeSH D009386, MONDO:0015356.
Hereditary breast ovarian cancer syndrome. Also called: BRCA1- and BRCA2-Associated Hereditary Breast and Ovarian Cancer; Hereditary breast and ovarian cancer syndrome (HBOC); Hereditary breast and/or ovarian cancer syndrome; Hereditary breast and ovarian cancer syndrome; Hereditary breast and ovarian cancer; Breast and ovarian cancer. Identifiers: Orphanet 145, MedGen C0677776, MeSH D061325, MONDO:0003582. Disease mechanism: loss of function.

Submissions (3):

Ambry Genetics
Classification: Uncertain significance for Hereditary cancer-predisposing syndrome. Last evaluated: 2024-08-24. Review status: criteria provided, single submitter. Criteria: Ambry Variant Classification Scheme 2023. Collection method: clinical testing. Allele origin: germline.
Comment: The p.S663N variant (also known as c.1988G>A), located in coding exon 9 of the BRCA1 gene, results from a G to A substitution at nucleotide position 1988. The serine at codon 663 is replaced by asparagine, an amino acid with highly similar properties. This amino acid position is not well conserved in available vertebrate species. In addition, this alteration is predicted to be tolerated by in silico analysis. Based on the available evidence, the clinical significance of this variant remains unclear.

Labcorp Genetics (formerly Invitae), Labcorp
Classification: Uncertain significance for Hereditary breast ovarian cancer syndrome. Last evaluated: 2024-04-08. Review status: criteria provided, single submitter. Criteria: Invitae Variant Classification Sherloc (09022015). Collection method: clinical testing. Allele origin: germline.
Comment: This sequence change replaces serine, which is neutral and polar, with asparagine, which is neutral and polar, at codon 663 of the BRCA1 protein (p.Ser663Asn). This variant is not present in population databases (gnomAD no frequency). This variant has not been reported in the literature in individuals affected with BRCA1-related conditions. ClinVar contains an entry for this variant (Variation ID: 1716726). Advanced modeling of protein sequence and biophysical properties (such as structural, functional, and spatial information, amino acid conservation, physicochemical variation, residue mobility, and thermodynamic stability) performed at Invitae indicates that this missense variant is not expected to disrupt BRCA1 protein function with a negative predictive value of 95%. In summary, the available evidence is currently insufficient to determine the role of this variant in disease. Therefore, it has been classified as a Variant of Uncertain Significance.

University of Washington Department of Laboratory Medicine, University of Washington
Classification: Likely benign for Hereditary cancer-predisposing syndrome. Last evaluated: 2023-03-23. Review status: criteria provided, single submitter. Criteria: Dines et al. (Genet Med. 2020). Collection method: curation. Allele origin: germline.
Comment: Missense variant in a coldspot region where missense variants are very unlikely to be pathogenic (PMID:31911673).

BRCA1 coldspot (exon 11 using historical exon numbering). Reclassification based on statistical prior probability